The following is an entry in ClinVar:

ClinVar aggregate classification (germline): Uncertain significance. Review status: criteria provided, multiple submitters, no conflicts (2 of 4 stars). 2 submissions from 2 submitters: Uncertain significance (2). Last evaluated 2024-04-12.

Conditions:
Ullrich congenital muscular dystrophy 2 (UCMD2). Identifiers: Orphanet 75840, MedGen C4225314, MONDO:0014654, OMIM 616470.
Bethlem myopathy 2 (BTHLM2). Identifiers: Orphanet 536516, Orphanet 610, MedGen C4225313, MONDO:0034022, OMIM 616471.

Allele frequency attached by ClinVar (database versions not stated): gnomAD exomes below 0.00001.
gnomAD v4.1: 3 of 1,613,628 alleles (0.00019%); highest among the groups gnomAD compares: Non-Finnish European, 0.00025%; no homozygotes.

Submissions (2):

Labcorp Genetics (formerly Invitae), Labcorp
Classification: Uncertain significance for Bethlem myopathy 2; Ullrich congenital muscular dystrophy 2. Last evaluated: 2024-04-12. Review status: criteria provided, single submitter. Criteria: Invitae Variant Classification Sherloc (09022015). Collection method: clinical testing. Allele origin: germline.
Comment: This sequence change replaces phenylalanine, which is neutral and non-polar, with serine, which is neutral and polar, at codon 2534 of the COL12A1 protein (p.Phe2534Ser). This variant is not present in population databases (gnomAD no frequency). This variant has not been reported in the literature in individuals affected with COL12A1-related conditions. ClinVar contains an entry for this variant (Variation ID: 1370390). Advanced modeling of protein sequence and biophysical properties (such as structural, functional, and spatial information, amino acid conservation, physicochemical variation, residue mobility, and thermodynamic stability) performed at Invitae indicates that this missense variant is not expected to disrupt COL12A1 protein function with a negative predictive value of 80%. In summary, the available evidence is currently insufficient to determine the role of this variant in disease. Therefore, it has been classified as a Variant of Uncertain Significance.

GeneDx
Classification: Uncertain significance. Last evaluated: 2024-02-12. Review status: criteria provided, single submitter. Criteria: GeneDx Variant Classification Process June 2021. Collection method: clinical testing. Allele origin: germline. Affected: yes.
Comment: Not observed at significant frequency in large population cohorts (gnomAD); In silico analysis supports that this missense variant has a deleterious effect on protein structure/function; Has not been previously published as pathogenic or benign to our knowledge

NM_004370.6(COL12A1):c.7601T>C (p.Phe2534Ser)

Gene: COL12A1 (collagen type XII alpha 1 chain; minus strand). Cytogenetic location: 6q13.
Variant type: single nucleotide variant.
Coding change: c.7601T>C on transcript NM_004370.6 (MANE Select); coding-DNA position 7601, T replaced by C.
Protein change: p.Phe2534Ser; replaces phenylalanine 2534 with serine.
Molecular consequence: missense variant.
Genome position (GRCh38, 1-based): chr6:75,115,880, A>G on the plus strand (T>C on the coding strand, the complement: COL12A1 is on the minus strand). VCF-style: chr6-75115880-A-G. GRCh37 (hg19) VCF-style: chr6-75825596-A-G.
Other names: c.7601T>C (NM_004370.5); c.4109T>C, p.Phe1370Ser (NM_080645.3); short protein forms F2534S, F1370S.
Identifiers: ClinVar variation 1370390 (VCV001370390.9), dbSNP rs1769052516, ClinGen allele CA364745374.